The following is an entry in ClinVar:

ClinVar aggregate classification (germline): Uncertain significance. Review status: criteria provided, single submitter (1 of 4 stars). 3 submissions from 3 submitters: Uncertain significance (1). 2 of the submissions do not count toward it. Last evaluated 2025-08-07.

Conditions:
Fanconi anemia (FA). Also called: Fanconi's anemia. Identifiers: Orphanet 84, MedGen C0015625, MeSH D005199, MONDO:0019391.
Fanconi anemia complementation group A (FANCA). Also called: FANCA-Related Fanconi Anemia; Fanconi anemia, group A. Identifiers: Orphanet 84, MedGen C3469521, MONDO:0009215, OMIM 227650.

Allele frequency attached by ClinVar (database versions not stated): gnomAD exomes below 0.00001.
gnomAD v4.1: 7 of 1,611,876 alleles (0.00043%); highest among the groups gnomAD compares: Non-Finnish European, 0.00051%; no homozygotes.

Submissions (3):

Labcorp Genetics (formerly Invitae), Labcorp
Classification: Uncertain significance for Fanconi anemia. Last evaluated: 2025-08-07. Review status: criteria provided, single submitter. Criteria: Invitae Variant Classification Sherloc (09022015). Collection method: clinical testing. Allele origin: germline.
Comment: This sequence change replaces histidine, which is basic and polar, with leucine, which is neutral and non-polar, at codon 492 of the FANCA protein (p.His492Leu). This variant is present in population databases (no rsID available, gnomAD 0.0009%). This missense change has been observed in individual(s) with Fanconi anemia (PMID: 35417938). ClinVar contains an entry for this variant (Variation ID: 408173). Invitae Evidence Modeling of protein sequence and biophysical properties (such as structural, functional, and spatial information, amino acid conservation, physicochemical variation, residue mobility, and thermodynamic stability) indicates that this missense variant is expected to disrupt FANCA protein function with a positive predictive value of 95%. In summary, the available evidence is currently insufficient to determine the role of this variant in disease. Therefore, it has been classified as a Variant of Uncertain Significance.

Natera, Inc.
Classification: Uncertain significance for Fanconi anemia, group A. Last evaluated: 2020-09-16. Review status: no assertion criteria provided. Collection method: clinical testing. Allele origin: germline. Not counted in ClinVar's aggregate classification.

Leiden Open Variation Database
Classification: Pathogenic for Fanconi anemia complementation group A. Last evaluated: 2020-02-28. Review status: no assertion criteria provided. Collection method: curation. Allele origin: germline. Affected: yes. Not counted in ClinVar's aggregate classification.
Comment: Curator: Arleen D. Auerbach. Submitter to LOVD: Arleen D. Auerbach.

Literature cited by the submitters: PubMed 35417938 (cited by Labcorp Genetics (formerly Invitae), Labcorp).

NM_000135.4(FANCA):c.1475A>T (p.His492Leu)

Gene: FANCA (FA complementation group A; minus strand). Cytogenetic location: 16q24.3.
Variant type: single nucleotide variant.
Coding change: c.1475A>T on transcript NM_000135.4 (MANE Select); coding-DNA position 1475, A replaced by T.
Protein change: p.His492Leu; replaces histidine 492 with leucine.
Molecular consequence: missense variant.
Genome position (GRCh38, 1-based): chr16:89,783,098, T>A on the plus strand (A>T on the coding strand, the complement: FANCA is on the minus strand). VCF-style: chr16-89783098-T-A. GRCh37 (hg19) VCF-style: chr16-89849506-T-A.
Other names: c.1475A>T (LRG_495t1); c.1475A>T, p.His492Leu (NM_001286167.3); short protein forms H492L.
Identifiers: ClinVar variation 408173 (VCV000408173.14), dbSNP rs925457555, ClinGen allele CA16615044.